The following is an entry in ClinVar:

ClinVar aggregate classification (germline): Likely pathogenic (1 of 4 stars; one submission).

Conditions:
Neurodevelopmental disorder with hypotonia, seizures, and absent language (NDHSAL). Identifiers: MedGen C4310643, MONDO:0014995, OMIM 617268.

Submission:

Pediatrics, Sichuan Provincial Hospital For Women And Children
Classification: Likely pathogenic for Neurodevelopmental disorder with hypotonia, seizures, and absent language. Last evaluated: 2023-12-14. Review status: criteria provided, single submitter. Criteria: ACMG Guidelines, 2015. Collection method: provider interpretation. Allele origin: de novo. Inheritance: Autosomal dominant inheritance. Affected: yes. Observed: 1 hemizygote.
Comment: PM1+PS2_Moderate+PP3_Moderate+PP2+PM2_Supporting

NM_001195144.2(ANKRD44):c.1317-1308T>C

Gene: ANKRD44 (ankyrin repeat domain 44; minus strand). Cytogenetic location: 2q33.1.
Variant type: single nucleotide variant.
Coding change: c.1317-1308T>C on transcript NM_001195144.2 (MANE Select); 1308 bases into the intron before coding-DNA position 1317, T replaced by C.
Molecular consequence: intron variant.
Genome position (GRCh38, 1-based): chr2:197,084,817, A>G on the plus strand (T>C on the coding strand, the complement: ANKRD44 is on the minus strand). VCF-style: chr2-197084817-A-G. GRCh37 (hg19) VCF-style: chr2-197949541-A-G.
Other names: c.1317-1308T>C (NM_001367497.1, NM_001367496.1); c.1371-1308T>C (NM_001367495.1).
Identifiers: ClinVar variation 3067112 (VCV003067112.2), dbSNP rs2469332282, ClinGen allele CA2740098040.
Genomic context (GRCh38, chr2:197,084,817, plus strand): 5'-AAAAAAAGAAATTTTAAATATTTTACCTATTGGATTGCATATGTTTTAATTAGACTGAAA[A>G]TTATCAGGTAACAACCTCATGACAGAGCCCAAAGATAAAGGCTGTAAGGTCCTTCTAGGT-3'